The following is an entry in ClinVar:

NM_000130.5(F5):c.2235T>C (p.Asn745=)

Gene: F5 (coagulation factor V; minus strand). Cytogenetic location: 1q24.2.
Variant type: single nucleotide variant.
Coding change: c.2235T>C on transcript NM_000130.5 (MANE Select); coding-DNA position 2235, T replaced by C.
Protein change: p.Asn745=; no amino-acid change (asparagine 745 retained).
Molecular consequence: synonymous variant.
Genome position (GRCh38, 1-based): chr1:169,542,855, A>G on the plus strand (T>C on the coding strand, the complement: F5 is on the minus strand). VCF-style: chr1-169542855-A-G. GRCh37 (hg19) VCF-style: chr1-169512093-A-G.
Other names: p.Asn745=.
Identifiers: ClinVar variation 255194 (VCV000255194.18), dbSNP rs6017, ClinGen allele CA1234123.
Genomic context (GRCh38, chr1:169,542,855, plus strand): 5'-AACGAATTCAGTGCCATTCTCCAGAGCTAGGGCAGTAAGATTGAACTCTTCTTCTTCCTG[A>G]TTCAATGATGAGTTTCGGAATGACCTGATTCCTAATGCTGCAGCCAGTCTGTTCTGGTAA-3'
Protein context (NP_000121.2, residues 735-755): GIRSFRNSSL[Asn745=]QEEEEFNLTA

ClinVar aggregate classification (germline): Benign/Likely benign. Review status: criteria provided, multiple submitters, no conflicts (2 of 4 stars). 10 submissions from 8 submitters: Benign (7); Likely benign (1). 2 of the submissions do not count toward it. Last evaluated 2026-02-04.

Conditions:
Thrombophilia due to thrombin defect (THPH1). Also called: Thrombosis susceptibility; THROMBOPHILIA DUE TO FACTOR 2 DEFECT; Prothrombin-Related Thrombophilia (Factor II); Prothrombin Thrombophilia. Identifiers: MedGen C3160733, MONDO:0008559, OMIM 188050. Disease mechanism: gain of function, loss of function.
Congenital factor V deficiency. Also called: LABILE FACTOR DEFICIENCY; OWREN PARAHEMOPHILIA; PARAHEMOPHILIA; Hereditary factor V deficiency disease. Identifiers: Orphanet 326, MedGen C0015499, MONDO:0009210, OMIM 227400.
Budd-Chiari syndrome (BDCHS). Also called: Hepatic vein obstruction. Identifiers: Orphanet 131, MedGen C0856761, MONDO:0010947, OMIM 600880, HP:0002639.
Factor V deficiency. Also called: Reduced coagulation factor V activity. Identifiers: Orphanet 326, MedGen C4317320, MONDO:0020586, HP:0003225.

Allele frequency attached by ClinVar (database versions not stated): gnomAD 0.23336; ESP Exome Variant Server 0.24350; TOPMed 0.25420; 1000 Genomes Project 30x 0.25999; 1000 Genomes Project 0.26278; gnomAD exomes 0.27212 and 0.27846; ExAC 0.27368.
gnomAD v4.1: 434,533 of 1,613,564 alleles (27%); highest among the groups gnomAD compares: Admixed American, 39%; 60,157 homozygotes.

Submissions (10):

Labcorp Genetics (formerly Invitae), Labcorp
Classification: Benign for Congenital factor V deficiency. Last evaluated: 2026-02-04. Review status: criteria provided, single submitter. Criteria: Invitae Variant Classification Sherloc (09022015). Collection method: clinical testing. Allele origin: germline.

Mayo Clinic Laboratories, Mayo Clinic
Classification: Benign. Last evaluated: 2022-01-13. Review status: criteria provided, single submitter. Criteria: ACMG Guidelines, 2015. Collection method: clinical testing. Allele origin: germline. Observed: 100 variant alleles.

GeneDx
Classification: Benign. Last evaluated: 2018-11-11. Review status: criteria provided, single submitter. Criteria: GeneDx Variant Classification Process June 2021. Collection method: clinical testing. Allele origin: germline. Affected: yes.

Illumina Laboratory Services, Illumina
Classification: Benign for Congenital factor V deficiency. Last evaluated: 2018-01-12. Review status: criteria provided, single submitter. Criteria: ICSL Variant Classification Criteria 13 December 2019. Collection method: clinical testing. Allele origin: germline.
Comment: This variant was observed in the ICSL laboratory as part of a predisposition screen in an ostensibly healthy population. It had not been previously curated by ICSL or reported in the Human Gene Mutation Database (HGMD: prior to June 1st, 2018), and was therefore a candidate for classification through an automated scoring system. Utilizing variant allele frequency, disease prevalence and penetrance estimates, and inheritance mode, an automated score was calculated to assess if this variant is too frequent to cause the disease. Based on the score and internal cut-off values, a variant classified as benign is not then subjected to further curation. The score for this variant resulted in a classification of benign for this disease.

Illumina Laboratory Services, Illumina
Classification: Benign for Budd-Chiari syndrome. Last evaluated: 2018-01-12. Review status: criteria provided, single submitter. Criteria: ICSL Variant Classification Criteria 13 December 2019. Collection method: clinical testing. Allele origin: germline.
Comment: the same text as in the submission from Illumina Laboratory Services, Illumina above.

Illumina Laboratory Services, Illumina
Classification: Benign for Venous thrombosis. Last evaluated: 2018-01-12. Review status: criteria provided, single submitter. Criteria: ICSL Variant Classification Criteria 13 December 2019. Collection method: clinical testing. Allele origin: germline.
Comment: the same text as in the submission from Illumina Laboratory Services, Illumina above.

Breakthrough Genomics
Classification: Likely benign. Review status: criteria provided, single submitter. Criteria: ACMG Guidelines, 2015. Collection method: not provided. Allele origin: germline. Inheritance: Autosomal recessive inheritance. Affected: yes.

PreventionGenetics, part of Exact Sciences
Classification: Benign. Review status: criteria provided, single submitter. Criteria: ACMG Guidelines, 2015. Collection method: clinical testing. Allele origin: germline.

Diagnostic Laboratory, Department of Genetics, University Medical Center Groningen
Classification: Benign. Review status: no assertion criteria provided. Collection method: clinical testing. Allele origin: germline. Affected: yes. Study: VKGL Data-share Consensus. Not counted in ClinVar's aggregate classification.

Joint Genome Diagnostic Labs from Nijmegen and Maastricht, Radboudumc and MUMC+
Classification: Benign. Review status: no assertion criteria provided. Collection method: clinical testing. Allele origin: germline. Affected: yes. Study: VKGL Data-share Consensus. Not counted in ClinVar's aggregate classification.